The following is an entry in ClinVar:

ClinVar aggregate classification (germline): Uncertain significance (1 of 4 stars; one submission).

Submission:

Labcorp Genetics (formerly Invitae), Labcorp
Classification: Uncertain significance. Last evaluated: 2025-09-25. Review status: criteria provided, single submitter. Criteria: Invitae Variant Classification Sherloc (09022015). Collection method: clinical testing. Allele origin: germline.
Comment: This variant, c.603_604delinsTG, is a complex sequence change that results in the deletion of 2 and insertion of 2 amino acid(s) in the PLG protein (p.Met201_Ser202delinsIleAla). Information on the frequency of this variant in the gnomAD database is not available, as this variant may be reported differently in the database. This variant has not been reported in the literature in individuals affected with PLG-related conditions. ClinVar contains an entry for this variant (Variation ID: 1917721). Experimental studies and prediction algorithms are not available or were not evaluated, and the functional significance of this variant is currently unknown. In summary, the available evidence is currently insufficient to determine the role of this variant in disease. Therefore, it has been classified as a Variant of Uncertain Significance.

NM_000301.5(PLG):c.603_604delinsTG (p.Met201_Ser202delinsIleAla)

Gene: PLG (plasminogen; plus strand). Cytogenetic location: 6q26.
Variant type: Indel.
Coding change: c.603_604delinsTG on transcript NM_000301.5 (MANE Select); coding-DNA positions 603 to 604, GT replaced by TG.
Protein change: p.Met201_Ser202delinsIleAla.
Molecular consequence: missense variant.
Genome position (GRCh38, 1-based): chr6:160,714,849-160,714,850, GT replaced by TG. VCF-style: chr6-160714849-GT-TG. GRCh37 (hg19) VCF-style: chr6-161135881-GT-TG.
Identifiers: ClinVar variation 1917721 (VCV001917721.5), dbSNP rs2484337167, ClinGen allele CA2580075302.